The following is an entry in ClinVar:

NM_001270974.2(HYDIN):c.10295C>T (p.Thr3432Met)

Gene: HYDIN (HYDIN axonemal central pair apparatus protein; minus strand). Cytogenetic location: 16q22.2.
Variant type: single nucleotide variant.
Coding change: c.10295C>T on transcript NM_001270974.2 (MANE Select); coding-DNA position 10295, C replaced by T.
Protein change: p.Thr3432Met; replaces threonine 3432 with methionine.
Molecular consequence: missense variant.
Genome position (GRCh38, 1-based): chr16:70,879,677, G>A on the plus strand (C>T on the coding strand, the complement: HYDIN is on the minus strand). VCF-style: chr16-70879677-G-A. GRCh37 (hg19) VCF-style: chr16-70913580-G-A.
Other names: short protein forms T3432M.
Identifiers: ClinVar variation 3339371 (VCV003339371.1).

ClinVar aggregate classification (germline): Uncertain significance (1 of 4 stars; one submission).

gnomAD v4.1: 56 of 1,534,798 alleles (0.0036%); highest among the groups gnomAD compares: African/African-American, 0.016%; no homozygotes.

Submission:

Women's Health and Genetics/Laboratory Corporation of America, LabCorp
Classification: Uncertain significance. Last evaluated: 2024-07-23. Review status: criteria provided, single submitter. Criteria: LabCorp Variant Classification Summary - May 2015. Collection method: clinical testing. Allele origin: germline.
Comment: Variant summary: HYDIN c.10295C>T (p.Thr3432Met) results in a non-conservative amino acid change in the encoded protein sequence. Two of four in-silico tools predict a benign effect of the variant on protein function. The variant allele was found at a frequency of 5.8e-05 in 223348 control chromosomes. This frequency is not significantly higher than estimated for a pathogenic variant in HYDIN causing Primary Ciliary Dyskinesia 5, allowing no conclusion about variant significance. To our knowledge, no occurrence of c.10295C>T in individuals affected with Primary Ciliary Dyskinesia 5 and no experimental evidence demonstrating its impact on protein function have been reported. No submitters have cited clinical-significance assessments for this variant to ClinVar. Based on the evidence outlined above, the variant was classified as uncertain significance.